The following is an entry in ClinVar:

ClinVar aggregate classification (germline): Uncertain significance. Review status: criteria provided, multiple submitters, no conflicts (2 of 4 stars). 3 submissions from 3 submitters: Uncertain significance (3). Last evaluated 2026-06-30.

Conditions:
SCLT1-related disorder. Also called: SCLT1-related condition.

Allele frequency attached by ClinVar (database versions not stated): TOPMed 0.00001; ESP Exome Variant Server 0.00008; gnomAD exomes below 0.00001; ExAC 0.00001; gnomAD 0.00001.
gnomAD v4.1: 7 of 1,605,874 alleles (0.00044%); highest among the groups gnomAD compares: Admixed American, 0.0067%; no homozygotes.

Submissions (3):

PreventionGenetics, part of Exact Sciences
Classification: Uncertain significance for SCLT1-related condition. Last evaluated: 2026-06-30. Review status: criteria provided, single submitter. Criteria: ACMG Guidelines, 2015. Collection method: clinical testing. Allele origin: germline.
Comment: The SCLT1 c.748G>A variant is predicted to result in the amino acid substitution p.Glu250Lys. To our knowledge, this variant has not been reported in the literature. This variant is reported in 0.0058% of alleles in individuals of Latino descent in gnomAD. At this time, the clinical significance of this variant is uncertain due to the absence of conclusive functional and genetic evidence.

Ambry Genetics
Classification: Uncertain significance. Last evaluated: 2024-07-10. Review status: criteria provided, single submitter. Criteria: Ambry Variant Classification Scheme 2023. Collection method: clinical testing. Allele origin: germline.

Labcorp Genetics (formerly Invitae), Labcorp
Classification: Uncertain significance. Last evaluated: 2022-06-13. Review status: criteria provided, single submitter. Criteria: Invitae Variant Classification Sherloc (09022015). Collection method: clinical testing. Allele origin: germline.
Comment: This sequence change replaces glutamic acid, which is acidic and polar, with lysine, which is basic and polar, at codon 250 of the SCLT1 protein (p.Glu250Lys). This variant is present in population databases (rs142830954, gnomAD 0.006%). This variant has not been reported in the literature in individuals affected with SCLT1-related conditions. Algorithms developed to predict the effect of missense changes on protein structure and function (SIFT, PolyPhen-2, Align-GVGD) all suggest that this variant is likely to be tolerated. In summary, the available evidence is currently insufficient to determine the role of this variant in disease. Therefore, it has been classified as a Variant of Uncertain Significance.

NM_144643.4(SCLT1):c.748G>A (p.Glu250Lys)

Gene: SCLT1 (sodium channel and clathrin linker 1; minus strand). Cytogenetic location: 4q28.2.
Variant type: single nucleotide variant.
Coding change: c.748G>A on transcript NM_144643.4 (MANE Select); coding-DNA position 748, G replaced by A.
Protein change: p.Glu250Lys; replaces glutamic acid 250 with lysine.
Molecular consequence: missense variant.
Genome position (GRCh38, 1-based): chr4:128,970,407, C>T on the plus strand (G>A on the coding strand, the complement: SCLT1 is on the minus strand). VCF-style: chr4-128970407-C-T. GRCh37 (hg19) VCF-style: chr4-129891562-C-T.
Other names: c.748G>A, p.Glu250Lys (NM_001410807.1); c.748G>A (NM_144643.3, NM_144643.2); short protein forms E250K.
Identifiers: ClinVar variation 1907958 (VCV001907958.4), dbSNP rs142830954, ClinGen allele CA3079832.
Genomic context (GRCh38, chr4:128,970,407, plus strand): 5'-GGTACCCATTTGTCTTAGAAATAGAAAATACCTTCTTTTTCATCTGTCCCTGCAGATCTT[C>T]AGTCACATTAGTTAACTCTTCCACTTTTGCTACAGCAACTCTCAGCTCTAATTTGGCTTG-3'
Protein context (NP_653244.2, residues 240-260): AKVEELTNVT[Glu250Lys]DLQGQMKKKE